The following is an entry in ClinVar:

NM_016239.4(MYO15A):c.8340G>T (p.Thr2780=)

Gene: MYO15A (myosin XVA; plus strand). Cytogenetic location: 17p11.2.
Variant type: single nucleotide variant.
Coding change: c.8340G>T on transcript NM_016239.4 (MANE Select); coding-DNA position 8340, G replaced by T.
Protein change: p.Thr2780=; no amino-acid change (threonine 2780 retained).
Molecular consequence: synonymous variant.
Genome position (GRCh38, 1-based): chr17:18,155,225, G>T. VCF-style: chr17-18155225-G-T. GRCh37 (hg19) VCF-style: chr17-18058539-G-T.
Identifiers: ClinVar variation 3393744 (VCV003393744.1).

ClinVar aggregate classification (germline): Likely pathogenic (1 of 4 stars; one submission).

gnomAD v4.1: 1 of 1,613,840 alleles (0.000062%); highest among the groups gnomAD compares: Non-Finnish European, 0.000085%; no homozygotes.

Submission:

GeneDx
Classification: Likely pathogenic. Last evaluated: 2024-07-03. Review status: criteria provided, single submitter. Criteria: GeneDx Variant Classification Process June 2021. Collection method: clinical testing. Allele origin: germline. Affected: yes.
Comment: Not observed at significant frequency in large population cohorts (gnomAD); In silico analysis supports a deleterious effect on splicing; Has not been previously published as pathogenic or benign to our knowledge